The following is an entry in ClinVar:

ClinVar aggregate classification (germline): Conflicting classifications of pathogenicity. Review status: criteria provided, conflicting classifications (1 of 4 stars). 4 submissions from 4 submitters: Uncertain significance (2); Likely benign (1). 1 of the submissions does not count toward it. Last evaluated 2024-11-04.

Conditions:
Hereditary cancer-predisposing syndrome. Also called: Hereditary Cancer Syndrome; Hereditary neoplastic syndrome; Tumor predisposition; Neoplastic Syndromes, Hereditary. Identifiers: Orphanet 140162, MedGen C0027672, MeSH D009386, MONDO:0015356.
Hereditary breast ovarian cancer syndrome. Also called: Hereditary breast and ovarian cancer syndrome; Hereditary breast and ovarian cancer syndrome (HBOC); BRCA1- and BRCA2-Associated Hereditary Breast and Ovarian Cancer; Breast and ovarian cancer; Hereditary breast and ovarian cancer; Hereditary breast and/or ovarian cancer syndrome. Identifiers: Orphanet 145, MedGen C0677776, MeSH D061325, MONDO:0003582. Disease mechanism: loss of function.

Allele frequency attached by ClinVar (database versions not stated): gnomAD exomes below 0.00001.
gnomAD v4.1: 2 of 1,614,042 alleles (0.00012%); highest among the groups gnomAD compares: East Asian, 0.0022%; no homozygotes.

Submissions (5):

Labcorp Genetics (formerly Invitae), Labcorp
Classification: Uncertain significance for Hereditary breast ovarian cancer syndrome. Last evaluated: 2024-11-04. Review status: criteria provided, single submitter. Criteria: Invitae Variant Classification Sherloc (09022015). Collection method: clinical testing. Allele origin: germline.
Comment: This sequence change replaces threonine, which is neutral and polar, with isoleucine, which is neutral and non-polar, at codon 1799 of the BRCA1 protein (p.Thr1799Ile). This variant is present in population databases (rs786201945, gnomAD 0.006%). This variant has not been reported in the literature in individuals affected with BRCA1-related conditions. ClinVar contains an entry for this variant (Variation ID: 185124). Invitae Evidence Modeling incorporating data from in vitro experimental studies (PMID: 30209399) indicates that this missense variant is not expected to disrupt BRCA1 function with a negative predictive value of 95%. In summary, the available evidence is currently insufficient to determine the role of this variant in disease. Therefore, it has been classified as a Variant of Uncertain Significance.

Quest Diagnostics Nichols Institute San Juan Capistrano
Classification: Uncertain significance. Last evaluated: 2023-05-08. Review status: criteria provided, single submitter. Criteria: Quest Diagnostics criteria. Collection method: clinical testing. Allele origin: unknown.
Comment: The frequency of this variant in the general population, 0.000004 (1/251436 chromosomes), is uninformative in assessment of its pathogenicity. In the published literature, this variant apparently retained functional activity in a large-scale study using a haploid cell line (PMID: 30209399 (2018)). In a large-scale breast cancer association study, the variant was observed in an unaffected individual (PMID: 33471991 (2021), see also LOVD). Analysis of this variant using bioinformatics tools for the prediction of the effect of amino acid changes on protein structure and function yielded predictions that this variant is benign. Based on the available information, we are unable to determine the clinical significance of this variant.

Ambry Genetics
Classification: Likely benign for Hereditary cancer-predisposing syndrome. Last evaluated: 2021-05-20. Review status: criteria provided, single submitter. Criteria: Ambry Variant Classification Scheme 2023. Collection method: clinical testing. Allele origin: germline.

Brotman Baty Institute, University of Washington
No classification provided (evidence only). Condition: Breast-ovarian cancer, familial 1. Review status: no classification provided. Collection method: in vitro. Allele origin: not applicable. Functional consequence: functionally_normal. Not counted in ClinVar's aggregate classification.
ClinVar note: "not provided" was previously submitted as the classification for the variant. However, the classification appeared to be based only on an observation of functional data so it was converted to no classification on 2025-07-30.

Department of Pathology and Laboratory Medicine, Sinai Health System
Classification: Uncertain significance. Review status: no assertion criteria provided. Collection method: clinical testing. Allele origin: unknown. Affected: yes. Study: The Canadian Open Genetics Repository (COGR). Not counted in ClinVar's aggregate classification.
Comment: The BRCA1 p.Thr1799Ile variant was not identified in the literature nor was it identified in the LOVD 3.0, or UMD-LSDB databases. The variant was identified in dbSNP (ID: rs786201945) as â€šÃ„ÃºWith Uncertain significance alleleâ€šÃ„Ã¹, and ClinVar (as uncertain significance by Ambry Genetics). The variant was not identified in the following control databases: the Exome Aggregation Consortium (August 8th 2016), or the Genome Aggregation Database (Feb 27, 2017). The p.Thr1799 residue is not conserved in mammals and four out of five computational analyses (PolyPhen-2, SIFT, AlignGVGD, BLOSUM, MutationTaster) do not suggest a high likelihood of impact to the protein; however, this information is not predictive enough to rule out pathogenicity. The variant occurs outside of the splicing consensus sequence and 1 of 4 in silico or computational prediction software programs (SpliceSiteFinder, MaxEntScan, NNSPLICE, GeneSplicer) predict a greater than 10% difference in splicing; this is not very predictive of pathogenicity. In summary, based on the above information the clinical significance of this variant cannot be determined with certainty at this time. This variant is classified as a variant of uncertain significance.

Literature cited by the submitters: PubMed 30209399 (cited by 3 submitters); PubMed 33471991 (cited by Quest Diagnostics Nichols Institute San Juan Capistrano).

NM_007294.4(BRCA1):c.5396C>T (p.Thr1799Ile)

Gene: BRCA1 (BRCA1 DNA repair associated; minus strand). Cytogenetic location: 17q21.31.
Variant type: single nucleotide variant.
Coding change: c.5396C>T on transcript NM_007294.4 (MANE Select); coding-DNA position 5396, C replaced by T.
Protein change: p.Thr1799Ile; replaces threonine 1799 with isoleucine.
Molecular consequence: missense variant. On other transcripts: non-coding transcript variant (1), intron variant (1).
Genome position (GRCh38, 1-based): chr17:43,049,131, G>A on the plus strand (C>T on the coding strand, the complement: BRCA1 is on the minus strand). VCF-style: chr17-43049131-G-A. GRCh37 (hg19) VCF-style: chr17-41201148-G-A.
Other names: c.5183C>T, p.Thr1728Ile (NM_001407571.1, NM_001407894.1, NM_001407895.1 and 12 more transcripts); c.5462C>T, p.Thr1821Ile (NM_001407581.1, NM_001407582.1); c.5459C>T, p.Thr1820Ile (NM_001407583.1, NM_001407585.1, NM_001407587.1 and 1 more transcripts); c.5456C>T, p.Thr1819Ile (NM_001407590.1, NM_001407591.1); c.5396C>T, p.Thr1799Ile (NM_001407593.1, NM_001407594.1, NM_001407596.1 and 5 more transcripts); c.5393C>T, p.Thr1798Ile (NM_001407614.1, NM_001407615.1, NM_001407616.1 and 14 more transcripts); c.5390C>T, p.Thr1797Ile (NM_001407633.1, NM_001407634.1, NM_001407635.1 and 13 more transcripts); c.5318C>T, p.Thr1773Ile (NM_001407655.1, NM_001407652.1, NM_001407653.1 and 1 more transcripts); and 73 more; short protein forms T1799I, T1820I, T1752I, T695I, T1503I, T1672I, T1731I, T1755I.
Identifiers: ClinVar variation 185124 (VCV000185124.15), dbSNP rs786201945, ClinGen allele CA003548.